The following is an entry in ClinVar:

NM_133642.5(LARGE1):c.1948C>T (p.Arg650Trp)

Gene: LARGE1 (LARGE xylosyl- and glucuronyltransferase 1; minus strand). Cytogenetic location: 22q12.3.
Variant type: single nucleotide variant.
Coding change: c.1948C>T on transcript NM_133642.5 (MANE Select); coding-DNA position 1948, C replaced by T.
Protein change: p.Arg650Trp; replaces arginine 650 with tryptophan.
Molecular consequence: missense variant.
Genome position (GRCh38, 1-based): chr22:33,277,185, G>A on the plus strand (C>T on the coding strand, the complement: LARGE1 is on the minus strand). VCF-style: chr22-33277185-G-A. GRCh37 (hg19) VCF-style: chr22-33673171-G-A.
Other names: c.1948C>T, p.Arg650Trp (NM_001362949.2, NM_001362951.2, NM_001362953.2 and 4 more transcripts); c.1801C>T, p.Arg601Trp (NM_001378627.1, NM_001378628.1); c.1792C>T, p.Arg598Trp (NM_001378629.1); c.1345C>T, p.Arg449Trp (NM_001378630.1); c.1042C>T, p.Arg348Trp (NM_001378631.1); short protein forms R348W, R449W, R601W, R650W, R598W.
Identifiers: ClinVar variation 2145915 (VCV002145915.1), dbSNP rs1408447253, ClinGen allele CA411542928.

ClinVar aggregate classification (germline): Uncertain significance (1 of 4 stars; one submission).

Conditions:
Muscular dystrophy-dystroglycanopathy type B6 (MDDGB6). Also called: MUSCULAR DYSTROPHY-DYSTROGLYCANOPATHY (CONGENITAL WITH IMPAIRED INTELLECTUAL DEVELOPMENT), TYPE B, 6; MUSCULAR DYSTROPHY, CONGENITAL, LARGE-RELATED; MUSCULAR DYSTROPHY, CONGENITAL, TYPE 1D. Identifiers: MedGen C1837229, MONDO:0012138, OMIM 608840.

Allele frequency attached by ClinVar (database versions not stated): TOPMed 0.00001.
gnomAD v4.1: 22 of 1,614,240 alleles (0.0014%); highest among the groups gnomAD compares: South Asian, 0.0022%; no homozygotes.

Submission:

Labcorp Genetics (formerly Invitae), Labcorp
Classification: Uncertain significance for Muscular dystrophy-dystroglycanopathy type B6. Last evaluated: 2022-03-12. Review status: criteria provided, single submitter. Criteria: Invitae Variant Classification Sherloc (09022015). Collection method: clinical testing. Allele origin: germline.
Comment: This sequence change replaces arginine, which is basic and polar, with tryptophan, which is neutral and slightly polar, at codon 650 of the LARGE1 protein (p.Arg650Trp). This variant is present in population databases (no rsID available, gnomAD 0.003%). This variant has not been reported in the literature in individuals affected with LARGE1-related conditions. Algorithms developed to predict the effect of missense changes on protein structure and function are either unavailable or do not agree on the potential impact of this missense change (SIFT: "Deleterious"; PolyPhen-2: "Possibly Damaging"; Align-GVGD: "Class C0"). In summary, the available evidence is currently insufficient to determine the role of this variant in disease. Therefore, it has been classified as a Variant of Uncertain Significance.